The following is an entry in ClinVar:

NM_000702.4(ATP1A2):c.1541G>A (p.Arg514Gln)

Gene: ATP1A2 (ATPase Na+/K+ transporting subunit alpha 2; plus strand). Cytogenetic location: 1q23.2.
Variant type: single nucleotide variant.
Coding change: c.1541G>A on transcript NM_000702.4 (MANE Select); coding-DNA position 1541, G replaced by A.
Protein change: p.Arg514Gln; replaces arginine 514 with glutamine.
Molecular consequence: missense variant.
Genome position (GRCh38, 1-based): chr1:160,130,181, G>A. VCF-style: chr1-160130181-G-A. GRCh37 (hg19) VCF-style: chr1-160099971-G-A.
Other names: p.R514Q:CGG>CAG; short protein forms R514Q.
Identifiers: ClinVar variation 204907 (VCV000204907.20), dbSNP rs748654627, ClinGen allele CA313340.

ClinVar aggregate classification (germline): Uncertain significance. Review status: criteria provided, multiple submitters, no conflicts (2 of 4 stars). 5 submissions from 5 submitters: Uncertain significance (5). Last evaluated 2026-03-01.

Conditions:
Inborn genetic diseases. Identifiers: MedGen C0950123, MeSH D030342.
Familial hemiplegic migraine. Identifiers: MedGen C0338484, MONDO:0000700.

Allele frequency attached by ClinVar (database versions not stated): TOPMed 0.00002; gnomAD 0.00003.
gnomAD v4.1: 50 of 1,614,032 alleles (0.0031%); highest among the groups gnomAD compares: Admixed American, 0.0083%; no homozygotes.

Submissions (5):

CeGaT Center for Human Genetics Tuebingen
Classification: Uncertain significance. Last evaluated: 2026-03-01. Review status: criteria provided, single submitter. Criteria: CeGaT Center For Human Genetics Tuebingen Variant Classification Criteria Version 2. Collection method: clinical testing. Allele origin: germline. Affected: yes. Observed: 1 variant allele.
Comment: ATP1A2: PM2, PP3

Labcorp Genetics (formerly Invitae), Labcorp
Classification: Uncertain significance for Familial hemiplegic migraine. Last evaluated: 2025-09-23. Review status: criteria provided, single submitter. Criteria: Invitae Variant Classification Sherloc (09022015). Collection method: clinical testing. Allele origin: germline.
Comment: This sequence change replaces arginine, which is basic and polar, with glutamine, which is neutral and polar, at codon 514 of the ATP1A2 protein (p.Arg514Gln). This variant is present in population databases (rs748654627, gnomAD 0.01%). This missense change has been observed in individual(s) with clinical features of autosomal dominant ATP1A-related conditions (internal data). ClinVar contains an entry for this variant (Variation ID: 204907). Invitae Evidence Modeling of protein sequence and biophysical properties (such as structural, functional, and spatial information, amino acid conservation, physicochemical variation, residue mobility, and thermodynamic stability) has been performed for this missense variant. However, the output from this modeling did not meet the statistical confidence thresholds required to predict the impact of this variant on ATP1A2 protein function. In summary, the available evidence is currently insufficient to determine the role of this variant in disease. Therefore, it has been classified as a Variant of Uncertain Significance.

Ambry Genetics
Classification: Uncertain significance for Inborn genetic diseases. Last evaluated: 2025-07-04. Review status: criteria provided, single submitter. Criteria: Ambry Variant Classification Scheme 2023. Collection method: clinical testing. Allele origin: germline.

Mayo Clinic Laboratories, Mayo Clinic
Classification: Uncertain significance. Last evaluated: 2020-01-08. Review status: criteria provided, single submitter. Criteria: ACMG Guidelines, 2015. Collection method: clinical testing. Allele origin: germline. Observed: 1 variant allele.

GeneDx
Classification: Uncertain significance. Last evaluated: 2017-01-27. Review status: criteria provided, single submitter. Criteria: GeneDx Variant Classification (06012015). Collection method: clinical testing. Allele origin: germline. Affected: yes.
Comment: The R514Q variant has not been published as a pathogenic variant, nor has it been reported as a benign polymorphism to our knowledge. A missense substitution in the adjacent residue (C515Y) has been reported previously in two siblings, one reported migraine with aura and the other migraine without aura; the variant was inherited from an unaffected mother (Todt et al., 2005). Further functional studies show that the C515Y substitution results in a complete loss of protein function (Todt et al., 2005). The R514Q variant is not observed at a significant frequency in large population cohorts (Lek et al., 2016; 1000 Genomes Consortium et al., 2015; Exome Variant Server). The R514Q variant is a semi-conservative amino acid substitution, which may impact secondary protein structure as these residues differ in some properties. This substitution occurs at a position that is conserved across species. In silico analysis predicts this variant is probably damaging to the protein structure/function. Therefore, based on the currently available information, it is unclear whether this variant is a pathogenic variant or a rare benign variant. The variant is found in EPILEPSY panel(s).